The following is an entry in ClinVar:

ClinVar aggregate classification (germline): Likely pathogenic (1 of 4 stars; one submission).

Conditions:
Familial intrahepatic cholestasis. Identifiers: Orphanet 284385, MedGen CN296401, MONDO:0017290.

Submission:

Genomenon, Inc
Classification: Likely pathogenic for Familial intrahepatic cholestasis. Last evaluated: 2026-04-14. Review status: criteria provided, single submitter. Criteria: Genomenon Sequence Variant Interpretation Standards - Updated. Collection method: curation. Allele origin: germline. Affected: no.
Comment: ATP8B1 c.182-4_183del is a deletion variant that affects the acceptor splice site of intron 2. This variant has been reported in the published literature (PMID:37208429). It is absent or not present at a significant frequency in gnomAD. In conclusion, we classify ATP8B1 c.182-4_183del as a likely pathogenic variant.

Literature cited by the submitters: PubMed 37208429.

NM_001374385.1(ATP8B1):c.182-4_183del

Gene: ATP8B1 (ATPase phospholipid transporting 8B1; minus strand). Cytogenetic location: 18q21.31.
Variant type: Deletion.
Coding change: c.182-4_183del on transcript NM_001374385.1 (MANE Select); 4 bases into the intron before coding-DNA position 182 through coding-DNA position 183, 6 bases deleted (AAAGAA; older notation c.182-4_183delAAAGAA).
Molecular consequence: splice acceptor variant. On other transcripts: intron variant (1).
Genome position (GRCh38, 1-based): chr18:57,706,586-57,706,591, TTCTTT deleted on the plus strand (AAAGAA on the coding strand, the reverse complement: ATP8B1 is on the minus strand). VCF-style (leftmost placement, unchanged base first): chr18-57706585-ATTCTTT-A. GRCh37 (hg19) VCF-style: chr18-55373817-ATTCTTT-A.
Other names: c.182-4_183del (NM_005603.6); c.130-1923_130-1918del (NM_001374386.1).
Identifiers: ClinVar variation 4846152 (VCV004846152.1).